The following is an entry in ClinVar:

NM_014384.3(ACAD8):c.1133A>C (p.Tyr378Ser)

Gene: ACAD8 (acyl-CoA dehydrogenase family member 8; plus strand). Cytogenetic location: 11q25.
Variant type: single nucleotide variant.
Coding change: c.1133A>C on transcript NM_014384.3 (MANE Select); coding-DNA position 1133, A replaced by C.
Protein change: p.Tyr378Ser; replaces tyrosine 378 with serine.
Molecular consequence: missense variant.
Genome position (GRCh38, 1-based): chr11:134,262,560, A>C. VCF-style: chr11-134262560-A-C. GRCh37 (hg19) VCF-style: chr11-134132454-A-C.
Other names: short protein forms Y378S.
Identifiers: ClinVar variation 1020439 (VCV001020439.6), dbSNP rs779459988, ClinGen allele CA6373238.

ClinVar aggregate classification (germline): Uncertain significance (1 of 4 stars; one submission).

Conditions:
Deficiency of isobutyryl-CoA dehydrogenase. Also called: ACYL-CoA DEHYDROGENASE FAMILY, MEMBER 8, DEFICIENCY OF; IBD DEFICIENCY; ACAD8 DEFICIENCY. Identifiers: Orphanet 79159, MedGen C1969809, MONDO:0012648, OMIM 611283.

Allele frequency attached by ClinVar (database versions not stated): ExAC 0.00002; gnomAD exomes 0.00002.
gnomAD v4.1: 4 of 1,614,084 alleles (0.00025%); highest among the groups gnomAD compares: Non-Finnish European, 0.00034%; no homozygotes.

Submission:

Labcorp Genetics (formerly Invitae), Labcorp
Classification: Uncertain significance for Deficiency of isobutyryl-CoA dehydrogenase. Last evaluated: 2025-03-16. Review status: criteria provided, single submitter. Criteria: Invitae Variant Classification Sherloc (09022015). Collection method: clinical testing. Allele origin: germline.
Comment: This sequence change replaces tyrosine, which is neutral and polar, with serine, which is neutral and polar, at codon 378 of the ACAD8 protein (p.Tyr378Ser). This variant is present in population databases (rs779459988, gnomAD 0.004%). This variant has not been reported in the literature in individuals affected with ACAD8-related conditions. ClinVar contains an entry for this variant (Variation ID: 1020439). Invitae Evidence Modeling of protein sequence and biophysical properties (such as structural, functional, and spatial information, amino acid conservation, physicochemical variation, residue mobility, and thermodynamic stability) has been performed for this missense variant. However, the output from this modeling did not meet the statistical confidence thresholds required to predict the impact of this variant on ACAD8 protein function. In summary, the available evidence is currently insufficient to determine the role of this variant in disease. Therefore, it has been classified as a Variant of Uncertain Significance.